The following is an entry in ClinVar:

ClinVar aggregate classification (germline): Uncertain significance. Review status: criteria provided, multiple submitters, no conflicts (2 of 4 stars). 6 submissions from 6 submitters: Uncertain significance (5). 1 of the submissions does not count toward it. Last evaluated 2026-05-23.

Conditions:
Inborn genetic diseases. Identifiers: MedGen C0950123, MeSH D030342.
Niemann-Pick disease, type A. Also called: SPHINGOMYELIN LIPIDOSIS; SPHINGOMYELINASE DEFICIENCY; Infantile Neurovisceral ASMD (Niemann-Pick Disease Type A; NPD-A). Identifiers: Orphanet 77292, MedGen C0268242, MONDO:0009756, OMIM 257200. Disease mechanism: loss of function.
Niemann-Pick disease, type C1. Also called: NIEMANN-PICK DISEASE, VARIANT TYPE C1; NEUROVISCERAL STORAGE DISEASE WITH VERTICAL SUPRANUCLEAR OPHTHALMOPLEGIA; NIEMANN-PICK DISEASE WITH CHOLESTEROL ESTERIFICATION BLOCK; NIEMANN-PICK DISEASE WITHOUT SPHINGOMYELINASE DEFICIENCY; NIEMANN-PICK DISEASE, CHRONIC NEURONOPATHIC FORM. Identifiers: Orphanet 646, MedGen C3179455, MONDO:0009757, OMIM 257220.

Allele frequency attached by ClinVar (database versions not stated): gnomAD 0.00001; gnomAD exomes 0.00004; ExAC 0.00007.
gnomAD v4.1: 25 of 1,586,582 alleles (0.0016%); highest among the groups gnomAD compares: South Asian, 0.024%; no homozygotes.

Submissions (6):

Foundation for Research in Genetics and Endocrinology, FRIGE's Institute of Human Genetics
Classification: Uncertain significance for Niemann-Pick disease, type A. Last evaluated: 2026-05-23. Review status: criteria provided, single submitter. Criteria: ACMG Guidelines, 2015. Collection method: clinical testing. Allele origin: germline. Inheritance: Autosomal recessive inheritance. Affected: yes. Observed: 1 variant allele, 1 homozygote.
Comment: A homozygous variant c.2596A>G in exon 17 of the NPC1 gene was detected. This variant results in the substitution of methionine by valine at codon 866.This variant has not been reported in the 1000 gneomes database and has a minor allele frequency of 0.004% in the gnomAD database. The in-silico prediction of the variant is deleterious by MutationTaster and DANN. In summary, the variant meets our criteria to be classified as variant of uncertain significance.

Women's Health and Genetics/Laboratory Corporation of America, LabCorp
Classification: Uncertain significance. Last evaluated: 2024-01-23. Review status: criteria provided, single submitter. Criteria: LabCorp Variant Classification Summary - May 2015. Collection method: clinical testing. Allele origin: germline.
Comment: Variant summary: NPC1 c.2596A>G (p.Met866Val) results in a conservative amino acid change in the encoded protein sequence. Three of five in-silico tools predict a benign effect of the variant on protein function. The variant allele was found at a frequency of 4e-05 in 249194 control chromosomes. This frequency is not significantly higher than estimated for a pathogenic variant in NPC1 causing Niemann-Pick Disease Type C (4e-05 vs 0.0027), allowing no conclusion about variant significance. c.2596A>G has been reported in the literature in individuals affected with Niemann-Pick Disease Type C. This report not provide unequivocal conclusions about association of the variant with Niemann-Pick Disease Type C. To our knowledge, no experimental evidence demonstrating an impact on protein function has been reported. The following publication have been ascertained in the context of this evaluation (PMID: 35614200). ClinVar contains an entry for this variant (Variation ID: 967661). Based on the evidence outlined above, the variant was classified as uncertain significance.

Labcorp Genetics (formerly Invitae), Labcorp
Classification: Uncertain significance for Niemann-Pick disease, type C1. Last evaluated: 2022-04-30. Review status: criteria provided, single submitter. Criteria: Invitae Variant Classification Sherloc (09022015). Collection method: clinical testing. Allele origin: germline.
Comment: This sequence change replaces methionine, which is neutral and non-polar, with valine, which is neutral and non-polar, at codon 866 of the NPC1 protein (p.Met866Val). This variant is present in population databases (rs771088243, gnomAD 0.03%). This variant has not been reported in the literature in individuals affected with NPC1-related conditions. ClinVar contains an entry for this variant (Variation ID: 967661). Algorithms developed to predict the effect of missense changes on protein structure and function output the following: SIFT: "Tolerated"; PolyPhen-2: "Benign"; Align-GVGD: "Class C0". The valine amino acid residue is found in multiple mammalian species, which suggests that this missense change does not adversely affect protein function. In summary, the available evidence is currently insufficient to determine the role of this variant in disease. Therefore, it has been classified as a Variant of Uncertain Significance.

Ambry Genetics
Classification: Uncertain significance for Inborn genetic diseases. Last evaluated: 2022-01-12. Review status: criteria provided, single submitter. Criteria: Ambry Variant Classification Scheme 2023. Collection method: clinical testing. Allele origin: germline.
Comment: The p.M866V variant (also known as c.2596A>G), located in coding exon 17 of the NPC1 gene, results from an A to G substitution at nucleotide position 2596. The methionine at codon 866 is replaced by valine, an amino acid with highly similar properties. This amino acid position is conserved. In addition, the in silico prediction for this alteration is inconclusive. Since supporting evidence is limited at this time, the clinical significance of this alteration remains unclear.

Department of Pathology and Laboratory Medicine, Sinai Health System
Classification: Uncertain significance for Niemann-Pick disease, type C1. Last evaluated: 2021-07-30. Review status: criteria provided, single submitter. Criteria: ACMG Guidelines, 2015. Collection method: research. Allele origin: germline.

Natera, Inc.
Classification: Uncertain significance for Niemann-Pick disease type C1. Last evaluated: 2020-03-04. Review status: no assertion criteria provided. Collection method: clinical testing. Allele origin: germline. Not counted in ClinVar's aggregate classification.

Literature cited by the submitters: PubMed 35614200 (cited by Women's Health and Genetics/Laboratory Corporation of America, LabCorp).

NM_000271.5(NPC1):c.2596A>G (p.Met866Val)

Gene: NPC1 (NPC intracellular cholesterol transporter 1; minus strand). Cytogenetic location: 18q11.2.
Variant type: single nucleotide variant.
Coding change: c.2596A>G on transcript NM_000271.5 (MANE Select); coding-DNA position 2596, A replaced by G.
Protein change: p.Met866Val; replaces methionine 866 with valine.
Molecular consequence: missense variant.
Genome position (GRCh38, 1-based): chr18:23,540,456, T>C on the plus strand (A>G on the coding strand, the complement: NPC1 is on the minus strand). VCF-style: chr18-23540456-T-C. GRCh37 (hg19) VCF-style: chr18-21120420-T-C.
Other names: p.Met866Val; short protein forms M866V.
Identifiers: ClinVar variation 967661 (VCV000967661.10), dbSNP rs771088243, ClinGen allele CA8913046.